The following is an entry in ClinVar:

NM_015662.3(IFT172):c.3046A>G (p.Met1016Val)

Gene: IFT172 (intraflagellar transport 172; minus strand). Cytogenetic location: 2p23.3.
Variant type: single nucleotide variant.
Coding change: c.3046A>G on transcript NM_015662.3 (MANE Select); coding-DNA position 3046, A replaced by G.
Protein change: p.Met1016Val; replaces methionine 1016 with valine.
Molecular consequence: missense variant.
Genome position (GRCh38, 1-based): chr2:27,457,906, T>C on the plus strand (A>G on the coding strand, the complement: IFT172 is on the minus strand). VCF-style: chr2-27457906-T-C. GRCh37 (hg19) VCF-style: chr2-27680773-T-C.
Other names: c.2980A>G, p.Met994Val (NM_001410739.1); short protein forms M1016V, M994V.
Identifiers: ClinVar variation 4983569 (VCV004983569.1).

ClinVar aggregate classification (germline): Uncertain significance (1 of 4 stars; one submission).

Conditions:
IFT172-related disorder. Also called: IFT172-related disorders; IFT172-related condition.

Submission:

PreventionGenetics, part of Exact Sciences
Classification: Uncertain significance for IFT172-related condition. Last evaluated: 2024-12-03. Review status: criteria provided, single submitter. Criteria: ACMG Guidelines, 2015. Collection method: clinical testing. Allele origin: germline.
Comment: The IFT172 c.3046A>G variant is predicted to result in the amino acid substitution p.Met1016Val. To our knowledge, this variant has not been reported in the literature or in a large population database (gnomAD), indicating this variant is rare. At this time, the clinical significance of this variant is uncertain due to the absence of conclusive functional and genetic evidence.